The following is an entry in ClinVar:

ClinVar aggregate classification (germline): Uncertain significance (1 of 4 stars; one submission).

Submission:

Ambry Genetics
Classification: Uncertain significance. Last evaluated: 2024-07-05. Review status: criteria provided, single submitter. Criteria: Ambry Variant Classification Scheme 2023. Collection method: clinical testing. Allele origin: germline.
Comment: The p.S2041P variant (also known as c.6121T>C), located in coding exon 10 of the ALPK2 gene, results from a T to C substitution at nucleotide position 6121. The serine at codon 2041 is replaced by proline, an amino acid with similar properties. This amino acid position is conserved. In addition, the in silico prediction for this alteration is inconclusive. Based on the available evidence, the clinical significance of this variant remains unclear.

NM_052947.4(ALPK2):c.6121T>C (p.Ser2041Pro)

Gene: ALPK2 (alpha kinase 2; minus strand). Cytogenetic location: 18q21.31.
Variant type: single nucleotide variant.
Coding change: c.6121T>C on transcript NM_052947.4 (MANE Select); coding-DNA position 6121, T replaced by C.
Protein change: p.Ser2041Pro; replaces serine 2041 with proline.
Molecular consequence: missense variant.
Genome position (GRCh38, 1-based): chr18:58,504,057, A>G on the plus strand (T>C on the coding strand, the complement: ALPK2 is on the minus strand). VCF-style: chr18-58504057-A-G. GRCh37 (hg19) VCF-style: chr18-56171289-A-G.
Other names: short protein forms S2041P.
Identifiers: ClinVar variation 3530677 (VCV003530677.1).